The following is an entry in ClinVar:

NM_015570.4(AUTS2):c.3167C>T (p.Pro1056Leu)

Gene: AUTS2 (activator of transcription and developmental regulator AUTS2; plus strand). Cytogenetic location: 7q11.22.
Variant type: single nucleotide variant.
Coding change: c.3167C>T on transcript NM_015570.4 (MANE Select); coding-DNA position 3167, C replaced by T.
Protein change: p.Pro1056Leu; replaces proline 1056 with leucine.
Molecular consequence: missense variant.
Genome position (GRCh38, 1-based): chr7:70,790,383, C>T. VCF-style: chr7-70790383-C-T. GRCh37 (hg19) VCF-style: chr7-70255369-C-T.
Other names: c.3095C>T, p.Pro1032Leu (NM_001127231.3); short protein forms P1032L, P1056L.
Identifiers: ClinVar variation 1310163 (VCV001310163.2), dbSNP rs766592601, ClinGen allele CA4281279.

ClinVar aggregate classification (germline): Uncertain significance (1 of 4 stars; one submission).

Allele frequency attached by ClinVar (database versions not stated): gnomAD exomes below 0.00001; ExAC 0.00001; TOPMed 0.00001.
gnomAD v4.1: 2 of 1,613,866 alleles (0.00012%); highest among the groups gnomAD compares: Non-Finnish European, 0.000085%; no homozygotes.

Submission:

GeneDx
Classification: Uncertain significance. Last evaluated: 2019-09-05. Review status: criteria provided, single submitter. Criteria: GeneDx Variant Classification Process June 2021. Collection method: clinical testing. Allele origin: germline. Affected: yes.
Comment: In silico analysis, which includes protein predictors and evolutionary conservation, supports a deleterious effect; Has not been previously published as pathogenic or benign to our knowledge